The following is an entry in ClinVar:

ClinVar aggregate classification (germline): Uncertain significance (1 of 4 stars; one submission).

Allele frequency attached by ClinVar (database versions not stated): gnomAD exomes below 0.00001; gnomAD 0.00001; TOPMed 0.00001.
gnomAD v4.1: 3 of 1,611,130 alleles (0.00019%); highest among the groups gnomAD compares: Non-Finnish European, 0.00025%; no homozygotes.

Submission:

Labcorp Genetics (formerly Invitae), Labcorp
Classification: Uncertain significance. Last evaluated: 2022-12-07. Review status: criteria provided, single submitter. Criteria: Invitae Variant Classification Sherloc (09022015). Collection method: clinical testing. Allele origin: germline.
Comment: In summary, the available evidence is currently insufficient to determine the role of this variant in disease. Therefore, it has been classified as a Variant of Uncertain Significance. Variants that disrupt the consensus splice site are a relatively common cause of aberrant splicing (PMID: 17576681, 9536098). Algorithms developed to predict the effect of sequence changes on RNA splicing suggest that this variant is not likely to affect RNA splicing. This variant has not been reported in the literature in individuals affected with NTRK2-related conditions. This variant is present in population databases (no rsID available, gnomAD 0.0009%). This sequence change falls in intron 14 of the NTRK2 gene. It does not directly change the encoded amino acid sequence of the NTRK2 protein. It affects a nucleotide within the consensus splice site.

Literature cited by the submitters: PubMed 17576681; PubMed 9536098.

NM_006180.6(NTRK2):c.1396+5G>A

Gene: NTRK2 (neurotrophic receptor tyrosine kinase 2; plus strand). Cytogenetic location: 9q21.33.
Variant type: single nucleotide variant.
Coding change: c.1396+5G>A on transcript NM_006180.6 (MANE Select); 5 bases into the intron after coding-DNA position 1396, G replaced by A.
Molecular consequence: intron variant.
Genome position (GRCh38, 1-based): chr9:84,752,090, G>A. VCF-style: chr9-84752090-G-A. GRCh37 (hg19) VCF-style: chr9-87367005-G-A.
Other names: c.1396+5G>A (NM_001369532.1, NM_001369533.1, NM_001018066.3 and 15 more transcripts); c.1357+5G>A (NM_001291937.2, NM_001369546.1); c.1360+5G>A (NM_001369534.1); c.928+5G>A (NM_001369536.1, NM_001369535.1, NM_001369550.1 and 2 more transcripts).
Identifiers: ClinVar variation 2986043 (VCV002986043.3), dbSNP rs1174654112, ClinGen allele CA588994573.